The following is an entry in ClinVar:

NM_000257.4(MYH7):c.494T>A (p.Met165Lys)

Gene: MYH7 (myosin heavy chain 7; minus strand). Cytogenetic location: 14q11.2.
Variant type: single nucleotide variant.
Coding change: c.494T>A on transcript NM_000257.4 (MANE Select); coding-DNA position 494, T replaced by A.
Protein change: p.Met165Lys; replaces methionine 165 with lysine.
Molecular consequence: missense variant.
Genome position (GRCh38, 1-based): chr14:23,432,647, A>T on the plus strand (T>A on the coding strand, the complement: MYH7 is on the minus strand). VCF-style: chr14-23432647-A-T. GRCh37 (hg19) VCF-style: chr14-23901856-A-T.
Other names: p.M165K:ATG>AAG; c.494T>A (LRG_384t1); short protein forms M165K.
Identifiers: ClinVar variation 181399 (VCV000181399.12), dbSNP rs730880920, ClinGen allele CA015481.

ClinVar aggregate classification (germline): Conflicting classifications of pathogenicity. Review status: criteria provided, conflicting classifications (1 of 4 stars). 2 submissions from 2 submitters: Likely pathogenic (1); Uncertain significance (1). Last evaluated 2023-04-05.

Conditions:
Hypertrophic cardiomyopathy. Also called: HYPERTROPHIC MYOCARDIOPATHY. Identifiers: Orphanet 217569, MedGen C0007194, MeSH D002312, MONDO:0005045, HP:0001639.

Submissions (2):

Labcorp Genetics (formerly Invitae), Labcorp
Classification: Likely pathogenic for Hypertrophic cardiomyopathy. Last evaluated: 2023-04-05. Review status: criteria provided, single submitter. Criteria: Invitae Variant Classification Sherloc (09022015). Collection method: clinical testing. Allele origin: germline.
Comment: Advanced modeling of protein sequence and biophysical properties (such as structural, functional, and spatial information, amino acid conservation, physicochemical variation, residue mobility, and thermodynamic stability) performed at Invitae indicates that this missense variant is expected to disrupt MYH7 protein function. This sequence change replaces methionine, which is neutral and non-polar, with lysine, which is basic and polar, at codon 165 of the MYH7 protein (p.Met165Lys). This variant is not present in population databases (gnomAD no frequency). This variant has not been reported in the literature in individuals affected with MYH7-related conditions. ClinVar contains an entry for this variant (Variation ID: 181399). This variant disrupts the p.Met165 amino acid residue in MYH7. Other variant(s) that disrupt this residue have been determined to be pathogenic (Invitae). This suggests that this residue is clinically significant, and that variants that disrupt this residue are likely to be disease-causing. In summary, the currently available evidence indicates that the variant is pathogenic, but additional data are needed to prove that conclusively. Therefore, this variant has been classified as Likely Pathogenic.

GeneDx
Classification: Uncertain significance. Last evaluated: 2019-06-06. Review status: criteria provided, single submitter. Criteria: GeneDx Variant Classification Process June 2021. Collection method: clinical testing. Allele origin: germline. Affected: yes.
Comment: Not observed in large population cohorts (Lek et al., 2016); In silico analysis, which includes protein predictors and evolutionary conservation, supports a deleterious effect; Has not been previously published as pathogenic or benign to our knowledge